The following is an entry in ClinVar:

ClinVar aggregate classification (germline): Uncertain significance. Review status: criteria provided, multiple submitters, no conflicts (2 of 4 stars). 3 submissions from 3 submitters: Uncertain significance (3). Last evaluated 2024-06-12.

Conditions:
RYR1-related disorder. Also called: RYR1-related condition; RYR1-related disorders. Identifiers: MedGen CN239331.

Allele frequency attached by ClinVar (database versions not stated): gnomAD exomes below 0.00001; gnomAD 0.00001; TOPMed 0.00001.
gnomAD v4.1: 6 of 1,613,142 alleles (0.00037%); highest among the groups gnomAD compares: African/African-American, 0.0013%; no homozygotes.

Submissions (3):

Labcorp Genetics (formerly Invitae), Labcorp
Classification: Uncertain significance for RYR1-related disorder. Last evaluated: 2024-06-12. Review status: criteria provided, single submitter. Criteria: Invitae Variant Classification Sherloc (09022015). Collection method: clinical testing. Allele origin: germline.
Comment: This sequence change falls in intron 35 of the RYR1 gene. It does not directly change the encoded amino acid sequence of the RYR1 protein. This variant is present in population databases (no rsID available, gnomAD 0.0009%). This variant has been observed in individual(s) with clinical features of autosomal recessive centronuclear myopathy (PMID: 34463354; Invitae). In at least one individual the data is consistent with being in trans (on the opposite chromosome) from a pathogenic variant. ClinVar contains an entry for this variant (Variation ID: 423885). Algorithms developed to predict the effect of sequence changes on RNA splicing suggest that this variant may disrupt the consensus splice site. In summary, the available evidence is currently insufficient to determine the role of this variant in disease. Therefore, it has been classified as a Variant of Uncertain Significance.

Revvity Omics, Revvity
Classification: Uncertain significance. Last evaluated: 2022-05-18. Review status: criteria provided, single submitter. Criteria: ACMG Guidelines, 2015. Collection method: clinical testing. Allele origin: germline.

GeneDx
Classification: Uncertain significance. Last evaluated: 2017-02-20. Review status: criteria provided, single submitter. Criteria: GeneDx Variant Classification (06012015). Collection method: clinical testing. Allele origin: germline. Affected: yes.
Comment: The c.5815-16G>A variant in the RYR1 gene has not been reported previously as a pathogenic variant, nor as a benign variant, to our knowledge. This variant is predicted to create a strong splice acceptor site upstream of the natural splice acceptor site in intron 35, which may cause abnormal gene splicing. However, in the absence of RNA/functional studies, the actual effect of c.5815-16G>A in this individual is unknown. The c.5815-16G>A variant is not observed in large population cohorts (Lek et al., 2016; 1000 Genomes Consortium et al., 2015; Exome Variant Server). We interpret c.5815-16G>A as a variant of uncertain significance.

Literature cited by the submitters: PubMed 34463354 (cited by Labcorp Genetics (formerly Invitae), Labcorp).

NM_000540.3(RYR1):c.5815-16G>A

Gene: RYR1 (ryanodine receptor 1; plus strand). Cytogenetic location: 19q13.2.
Variant type: single nucleotide variant.
Coding change: c.5815-16G>A on transcript NM_000540.3 (MANE Select); 16 bases into the intron before coding-DNA position 5815, G replaced by A.
Molecular consequence: intron variant.
Genome position (GRCh38, 1-based): chr19:38,490,060, G>A. VCF-style: chr19-38490060-G-A. GRCh37 (hg19) VCF-style: chr19-38980700-G-A.
Other names: c.5815-16G>A (NM_001042723.2).
Identifiers: ClinVar variation 423885 (VCV000423885.8), dbSNP rs1064796679, ClinGen allele CA16620833.
Genomic context (GRCh38, chr19:38,490,060, plus strand): 5'-GGAAGCAAGAGAAGTTTCAAGGAAGTCCTGATGGTCTCACCTCCATCTCTCCTCCCACAC[G>A]GCTGTCCTTCCACAGATGTGCCACCTGCTGGAGTATTTCTGTGACCAAGAGCTGCAGCAC-3'